The following is an entry in ClinVar:

NM_000393.5(COL5A2):c.2650C>A (p.Pro884Thr)

Gene: COL5A2 (collagen type V alpha 2 chain; minus strand). Cytogenetic location: 2q32.2.
Variant type: single nucleotide variant.
Coding change: c.2650C>A on transcript NM_000393.5 (MANE Select); coding-DNA position 2650, C replaced by A.
Protein change: p.Pro884Thr; replaces proline 884 with threonine.
Molecular consequence: missense variant.
Genome position (GRCh38, 1-based): chr2:189,052,922, G>T on the plus strand (C>A on the coding strand, the complement: COL5A2 is on the minus strand). VCF-style: chr2-189052922-G-T. GRCh37 (hg19) VCF-style: chr2-189917648-G-T.
Other names: short protein forms P884T.
Identifiers: ClinVar variation 2769928 (VCV002769928.2), dbSNP rs2469261598, ClinGen allele CA349870917.

ClinVar aggregate classification (germline): Uncertain significance (1 of 4 stars; one submission).

Conditions:
Ehlers-Danlos syndrome, classic type, 1 (EDSCL1). Also called: EHLERS-DANLOS SYNDROME, GRAVIS TYPE; EHLERS-DANLOS SYNDROME, SEVERE CLASSIC TYPE; Ehlers-Danlos syndrome, type 1; Ehlers-Danlos Syndrome, Classic Type, COL5A1-Related; EDS I. Identifiers: MedGen C0268335, MONDO:0019567, OMIM 130000.

Submission:

Labcorp Genetics (formerly Invitae), Labcorp
Classification: Uncertain significance for Ehlers-Danlos syndrome, classic type, 1. Last evaluated: 2024-10-28. Review status: criteria provided, single submitter. Criteria: Invitae Variant Classification Sherloc (09022015). Collection method: clinical testing. Allele origin: germline.
Comment: This sequence change replaces proline, which is neutral and non-polar, with threonine, which is neutral and polar, at codon 884 of the COL5A2 protein (p.Pro884Thr). This variant is not present in population databases (gnomAD no frequency). This variant has not been reported in the literature in individuals affected with COL5A2-related conditions. Invitae Evidence Modeling of protein sequence and biophysical properties (such as structural, functional, and spatial information, amino acid conservation, physicochemical variation, residue mobility, and thermodynamic stability) indicates that this missense variant is not expected to disrupt COL5A2 protein function with a negative predictive value of 80%. In summary, the available evidence is currently insufficient to determine the role of this variant in disease. Therefore, it has been classified as a Variant of Uncertain Significance.